The following is an entry in ClinVar:

NM_012062.5(DNM1L):c.250+262T>C

Gene: DNM1L (dynamin 1 like; plus strand). Cytogenetic location: 12p11.21.
Variant type: single nucleotide variant.
Coding change: c.250+262T>C on transcript NM_012062.5 (MANE Select); 262 bases into the intron after coding-DNA position 250, T replaced by C.
Molecular consequence: intron variant.
Genome position (GRCh38, 1-based): chr12:32,701,824, T>C. VCF-style: chr12-32701824-T-C. GRCh37 (hg19) VCF-style: chr12-32854758-T-C.
Other names: c.250+262T>C (NM_001278464.2, NM_001278465.2, NM_001330380.2 and 3 more transcripts); c.45+262T>C (NM_001278466.2).
Identifiers: ClinVar variation 680566 (VCV000680566.1), dbSNP rs9738373, ClinGen allele CA13585630.

ClinVar aggregate classification (germline): Benign (1 of 4 stars; one submission).

Allele frequency attached by ClinVar (database versions not stated): 1000 Genomes Project 0.14397; 1000 Genomes Project 30x 0.14663; gnomAD 0.15354 and 0.15661; TOPMed 0.15928.
gnomAD v4.1: 23,316 of 150,884 alleles (15%); highest among the groups gnomAD compares: Middle Eastern, 21%; 1,893 homozygotes.

Submission:

GeneDx
Classification: Benign. Last evaluated: 2018-06-14. Review status: criteria provided, single submitter. Criteria: GeneDx Variant Classification (06012015). Collection method: clinical testing. Allele origin: germline. Affected: yes.
Comment: This variant is considered likely benign or benign based on one or more of the following criteria: it is a conservative change, it occurs at a poorly conserved position in the protein, it is predicted to be benign by multiple in silico algorithms, and/or has population frequency not consistent with disease.